The following is an entry in ClinVar:

ClinVar aggregate classification (germline): Uncertain significance (1 of 4 stars; one submission).

Conditions:
Familial adenomatous polyposis 1 (FAP1). Also called: FAMILIAL ADENOMATOUS POLYPOSIS 1, ATTENUATED; POLYPOSIS, ADENOMATOUS INTESTINAL. Identifiers: MedGen C2713442, MONDO:0021056, OMIM 175100. Disease mechanism: loss of function.

Submission:

Labcorp Genetics (formerly Invitae), Labcorp
Classification: Uncertain significance for Familial adenomatous polyposis 1. Last evaluated: 2023-06-29. Review status: criteria provided, single submitter. Criteria: Invitae Variant Classification Sherloc (09022015). Collection method: clinical testing. Allele origin: germline.
Comment: In summary, the available evidence is currently insufficient to determine the role of this variant in disease. Therefore, it has been classified as a Variant of Uncertain Significance. Advanced modeling of protein sequence and biophysical properties (such as structural, functional, and spatial information, amino acid conservation, physicochemical variation, residue mobility, and thermodynamic stability) performed at Invitae indicates that this missense variant is not expected to disrupt APC protein function. This variant has not been reported in the literature in individuals affected with APC-related conditions. This variant is not present in population databases (gnomAD no frequency). This sequence change replaces lysine, which is basic and polar, with arginine, which is basic and polar, at codon 1988 of the APC protein (p.Lys1988Arg).

NM_000038.6(APC):c.5963A>G (p.Lys1988Arg)

Gene: APC (APC regulator of Wnt signaling pathway; plus strand). Cytogenetic location: 5q22.2.
Variant type: single nucleotide variant.
Coding change: c.5963A>G on transcript NM_000038.6 (MANE Select); coding-DNA position 5963, A replaced by G.
Protein change: p.Lys1988Arg; replaces lysine 1988 with arginine.
Molecular consequence: missense variant. On other transcripts: non-coding transcript variant (2).
Genome position (GRCh38, 1-based): chr5:112,841,557, A>G. VCF-style: chr5-112841557-A-G. GRCh37 (hg19) VCF-style: chr5-112177254-A-G.
Other names: c.5963A>G, p.Lys1988Arg (NM_001127510.3, NM_001354895.2, NM_001407450.1); c.5909A>G, p.Lys1970Arg (NM_001127511.3); c.6017A>G, p.Lys2006Arg (NM_001354896.2, NM_001407447.1, NM_001407448.1 and 1 more transcripts); c.5993A>G, p.Lys1998Arg (NM_001354897.2); c.5888A>G, p.Lys1963Arg (NM_001354898.2); c.5879A>G, p.Lys1960Arg (NM_001354899.2); c.5840A>G, p.Lys1947Arg (NM_001354900.2); c.5786A>G, p.Lys1929Arg (NM_001354901.2, NM_001407453.1); and 11 more; short protein forms K1705R, K1887R, K1905R, K1963R, K1978R, K2006R, K1604R, K1929R.
Identifiers: ClinVar variation 3000268 (VCV003000268.3), dbSNP rs2149953581, ClinGen allele CA16034386.
Genomic context (GRCh38, chr5:112,841,557, plus strand): 5'-CTCTGAGTTCTCTCAGTGACATTGACCAAGAAAACAACAATAAAGAAAATGAACCTATCA[A>G]AGAGACTGAGCCCCCTGACTCACAGGGAGAACCAAGTAAACCTCAAGCATCAGGCTATGC-3'
Protein context (NP_000029.2, residues 1978-1998): ENNNKENEPI[Lys1988Arg]ETEPPDSQGE